The following is an entry in ClinVar:

NM_013432.5(TONSL):c.3631C>T (p.Gln1211Ter)

Gene: TONSL (tonsoku like, DNA repair protein; minus strand). Cytogenetic location: 8q24.3.
Variant type: single nucleotide variant.
Coding change: c.3631C>T on transcript NM_013432.5 (MANE Select); coding-DNA position 3631, C replaced by T.
Protein change: p.Gln1211Ter; replaces glutamine 1211 with a stop codon.
Molecular consequence: nonsense.
Genome position (GRCh38, 1-based): chr8:144,432,389, G>A on the plus strand (C>T on the coding strand, the complement: TONSL is on the minus strand). VCF-style: chr8-144432389-G-A. GRCh37 (hg19) VCF-style: chr8-145657772-G-A.
Other names: short protein forms Q1211*.
Identifiers: ClinVar variation 2697394 (VCV002697394.3), dbSNP rs782189938, ClinGen allele CA372641860.
Genomic context (GRCh38, chr8:144,432,389, plus strand): 5'-CCTTGCCGGCTGCCACGGAGCTGAGCTCTAAGTGCAGGAGGGTGCCGGCGGGCAGGCTCT[G>A]CAGGGTCCTGGCCAGGGCAGGGGCTCCCAGGGCGTTGTAGGACAGGGACAGGGTCTTCAG-3'

ClinVar aggregate classification (germline): Pathogenic (1 of 4 stars; one submission).

Submission:

Labcorp Genetics (formerly Invitae), Labcorp
Classification: Pathogenic. Last evaluated: 2023-11-19. Review status: criteria provided, single submitter. Criteria: Invitae Variant Classification Sherloc (09022015). Collection method: clinical testing. Allele origin: germline.
Comment: This sequence change creates a premature translational stop signal (p.Gln1211*) in the TONSL gene. It is expected to result in an absent or disrupted protein product. Loss-of-function variants in TONSL are known to be pathogenic (PMID: 30773277). This variant is not present in population databases (gnomAD no frequency). This variant has not been reported in the literature in individuals affected with TONSL-related conditions. For these reasons, this variant has been classified as Pathogenic.

Literature cited by the submitters: PubMed 30773277.